The following is an entry in ClinVar:

ClinVar aggregate classification (germline): Uncertain significance. Review status: criteria provided, multiple submitters, no conflicts (2 of 4 stars). 2 submissions from 2 submitters: Uncertain significance (2). Last evaluated 2025-07-13.

Conditions:
Hereditary cancer-predisposing syndrome. Also called: Hereditary neoplastic syndrome; Neoplastic Syndromes, Hereditary; Tumor predisposition; Hereditary Cancer Syndrome. Identifiers: Orphanet 140162, MedGen C0027672, MeSH D009386, MONDO:0015356.

Submissions (2):

Labcorp Genetics (formerly Invitae), Labcorp
Classification: Uncertain significance. Last evaluated: 2025-07-13. Review status: criteria provided, single submitter. Criteria: Invitae Variant Classification Sherloc (09022015). Collection method: clinical testing. Allele origin: germline.
Comment: This sequence change replaces tyrosine, which is neutral and polar, with phenylalanine, which is neutral and non-polar, at codon 54 of the FH protein (p.Tyr54Phe). This variant is not present in population databases (gnomAD no frequency). This variant has not been reported in the literature in individuals affected with FH-related conditions. ClinVar contains an entry for this variant (Variation ID: 3850238). Invitae Evidence Modeling of protein sequence and biophysical properties (such as structural, functional, and spatial information, amino acid conservation, physicochemical variation, residue mobility, and thermodynamic stability) indicates that this missense variant is not expected to disrupt FH protein function with a negative predictive value of 95%. In summary, the available evidence is currently insufficient to determine the role of this variant in disease. Therefore, it has been classified as a Variant of Uncertain Significance.

Ambry Genetics
Classification: Uncertain significance for Hereditary cancer-predisposing syndrome. Last evaluated: 2025-03-08. Review status: criteria provided, single submitter. Criteria: Ambry Variant Classification Scheme 2023. Collection method: clinical testing. Allele origin: germline.

NM_000143.4(FH):c.161A>T (p.Tyr54Phe)

Gene: FH (fumarate hydratase; minus strand). Cytogenetic location: 1q43.
Variant type: single nucleotide variant.
Coding change: c.161A>T on transcript NM_000143.4 (MANE Select); coding-DNA position 161, A replaced by T.
Protein change: p.Tyr54Phe; replaces tyrosine 54 with phenylalanine.
Molecular consequence: missense variant.
Genome position (GRCh38, 1-based): chr1:241,517,288, T>A on the plus strand (A>T on the coding strand, the complement: FH is on the minus strand). VCF-style: chr1-241517288-T-A. GRCh37 (hg19) VCF-style: chr1-241680588-T-A.
Other names: short protein forms Y54F.
Identifiers: ClinVar variation 3850238 (VCV003850238.2).